The following is an entry in ClinVar:

ClinVar aggregate classification (germline): Uncertain significance (1 of 4 stars; one submission).

Submission:

GeneDx
Classification: Uncertain significance. Last evaluated: 2023-06-13. Review status: criteria provided, single submitter. Criteria: GeneDx Variant Classification Process June 2021. Collection method: clinical testing. Allele origin: germline.
Comment: Not observed at significant frequency in large population cohorts (gnomAD); In silico analysis supports that this missense variant has a deleterious effect on protein structure/function; Has not been previously published as pathogenic or benign to our knowledge

NM_002547.3(OPHN1):c.923G>A (p.Gly308Asp)

Gene: OPHN1 (oligophrenin 1; minus strand). Cytogenetic location: Xq12.
Variant type: single nucleotide variant.
Coding change: c.923G>A on transcript NM_002547.3 (MANE Select); coding-DNA position 923, G replaced by A.
Protein change: p.Gly308Asp; replaces glycine 308 with aspartic acid.
Molecular consequence: missense variant.
Genome position (GRCh38, 1-based): chrX:68,206,583, C>T on the plus strand (G>A on the coding strand, the complement: OPHN1 is on the minus strand). VCF-style: chrX-68206583-C-T. GRCh37 (hg19) VCF-style: chrX-67426425-C-T.
Other names: short protein forms G308D.
Identifiers: ClinVar variation 2430721 (VCV002430721.2), dbSNP rs2519799335, ClinGen allele CA413433522.